The following is an entry in ClinVar:

NM_172107.4(KCNQ2):c.1787G>C (p.Gly596Ala)

Gene: KCNQ2 (potassium voltage-gated channel subfamily Q member 2; minus strand). Cytogenetic location: 20q13.33.
Variant type: single nucleotide variant.
Coding change: c.1787G>C on transcript NM_172107.4 (MANE Select); coding-DNA position 1787, G replaced by C.
Protein change: p.Gly596Ala; replaces glycine 596 with alanine.
Molecular consequence: missense variant.
Genome position (GRCh38, 1-based): chr20:63,408,513, C>G on the plus strand (G>C on the coding strand, the complement: KCNQ2 is on the minus strand). VCF-style: chr20-63408513-C-G. GRCh37 (hg19) VCF-style: chr20-62039866-C-G.
Other names: c.1841G>C, p.Gly614Ala (NM_001382235.1); c.1703G>C, p.Gly568Ala (NM_004518.6); c.1733G>C, p.Gly578Ala (NM_172106.3); c.1694G>C, p.Gly565Ala (NM_172108.5); short protein forms G565A, G568A, G578A, G596A, G614A.
Identifiers: ClinVar variation 1697259 (VCV001697259.3), dbSNP rs2145497630, ClinGen allele CA409640424.

ClinVar aggregate classification (germline): Uncertain significance (1 of 4 stars; one submission).

Conditions:
Developmental and epileptic encephalopathy, 7 (DEE7). Also called: KCNQ2-Related Neonatal-Onset Developmental and Epileptic Encephalopathy (NEO-DEE); Early infantile epileptic encephalopathy 7; KCNQ2-Related Neonatal Epileptic Encephalopathy. Identifiers: Orphanet 439218, MedGen C3150986, MONDO:0013387, OMIM 613720.

Submission:

Victorian Clinical Genetics Services, Murdoch Childrens Research Institute
Classification: Uncertain significance for Developmental and epileptic encephalopathy, 7. Last evaluated: 2022-06-24. Review status: criteria provided, single submitter. Criteria: ACMG Guidelines, 2015. Collection method: clinical testing. Allele origin: germline. Inheritance: Autosomal dominant inheritance.
Comment: Based on the classification scheme VCGS_Germline_v1.3.4, this variant is classified as 3C-VUS. Following criteria are met: 0103 - Dominant negative and loss of function are known mechanisms of disease in this gene and are associated with early infantile epileptic encephalopathy, 7 (EIEE) (MIM#613720) and benign neonatal seizures, 1 (BNS) (MIM#121200). (I) 0107 - This gene is associated with autosomal dominant disease. (I) 0112 - The condition associated with this gene has incomplete penetrance however, this is only reported for patients with BNS (PMID: 25959266). (I) 0200 - Variant is predicted to result in a missense amino acid change from glycine to alanine. (I) 0251 - This variant is heterozygous. (I) 0301 - Variant is absent from gnomAD (both v2 and v3). (SP) 0501 - Missense variant consistently predicted to be damaging by multiple in silico tools or highly conserved with a major amino acid change. (SP) 0600 - Variant is located in the annotated KCNQ voltage-gated potassium channel domain (NCBI, PDB, DECIPHER). (I) 0705 - No comparable missense variants have previous evidence for pathogenicity. (I) 0807 - This variant has no previous evidence of pathogenicity. (I) 0905 - No published segregation evidence has been identified for this variant. (I) 1007 - No published functional evidence has been identified for this variant. (I) Legend: (SP) - Supporting pathogenic, (I) - Information, (SB) - Supporting benign

Literature cited by the submitters: PubMed 25959266.